The following is an entry in ClinVar:

NM_004614.5(TK2):c.228C>T (p.Val76=)

Gene: TK2 (thymidine kinase 2; minus strand). Cytogenetic location: 16q21.
Variant type: single nucleotide variant.
Coding change: c.228C>T on transcript NM_004614.5 (MANE Select); coding-DNA position 228, C replaced by T.
Protein change: p.Val76=; no amino-acid change (valine 76 retained).
Molecular consequence: synonymous variant. On other transcripts: 5 prime UTR variant (1), non-coding transcript variant (1), intron variant (1).
Genome position (GRCh38, 1-based): chr16:66,541,882, G>A on the plus strand (C>T on the coding strand, the complement: TK2 is on the minus strand). VCF-style: chr16-66541882-G-A. GRCh37 (hg19) VCF-style: chr16-66575785-G-A.
Other names: c.135C>T, p.Val45= (NM_001172643.1, NM_001271935.1); c.228C>T, p.Val76= (NM_001172645.2); c.81C>T, p.Val27= (NM_001271934.2); c.-64C>T (NM_001272050.2); c.157-4865C>T (NM_001172644.2).
Identifiers: ClinVar variation 748406 (VCV000748406.31), dbSNP rs773676328, ClinGen allele CA8093760.

ClinVar aggregate classification (germline): Likely benign. Review status: criteria provided, multiple submitters, no conflicts (2 of 4 stars). 2 submissions from 2 submitters: Likely benign (2). Last evaluated 2026-01-18.

Allele frequency attached by ClinVar (database versions not stated): gnomAD exomes below 0.00001 and 0.00001; ExAC 0.00001; gnomAD 0.00001; TOPMed 0.00002.
gnomAD v4.1: 8 of 1,614,076 alleles (0.0005%); highest among the groups gnomAD compares: African/African-American, 0.0027%; no homozygotes.

Submissions (2):

Labcorp Genetics (formerly Invitae), Labcorp
Classification: Likely benign. Last evaluated: 2026-01-18. Review status: criteria provided, single submitter. Criteria: Invitae Variant Classification Sherloc (09022015). Collection method: clinical testing. Allele origin: germline.

CeGaT Center for Human Genetics Tuebingen
Classification: Likely benign. Last evaluated: 2023-01-01. Review status: criteria provided, single submitter. Criteria: CeGaT Center For Human Genetics Tuebingen Variant Classification Criteria Version 2. Collection method: clinical testing. Allele origin: germline. Affected: yes. Observed: 1 variant allele.
Comment: TK2: BP4, BP7